The following is an entry in ClinVar:

NM_025114.4(CEP290):c.2462del (p.Leu821fs)

Gene: CEP290 (centrosomal protein 290; minus strand). Cytogenetic location: 12q21.32.
Variant type: Deletion.
Coding change: c.2462del on transcript NM_025114.4 (MANE Select); coding-DNA position 2462, one base deleted (T; older notation c.2462delT).
Protein change: p.Leu821fs; shifts the reading frame from leucine 821.
Molecular consequence: frameshift variant.
Genome position (GRCh38, 1-based): chr12:88,109,087, A deleted on the plus strand (T on the coding strand, the reverse complement: CEP290 is on the minus strand); the first of 3 consecutive A bases (chr12:88,109,087-88,109,089); deleting any one gives the same sequence. VCF-style (leftmost placement, unchanged base first): chr12-88109086-CA-C. GRCh37 (hg19) VCF-style: chr12-88502863-CA-C.
Other names: c.2462delT (NM_025114.4); short protein forms L821fs.
Identifiers: ClinVar variation 4813870 (VCV004813870.1).

ClinVar aggregate classification (germline): Likely pathogenic (1 of 4 stars; one submission).

Conditions:
Focal segmental glomerulosclerosis (FSGS). Also called: Glomerulosclerosis, focal; Focal sclerosis with hyalinosis. Identifiers: MedGen C0017668, MONDO:0100313, HP:0000097. Disease mechanism: loss of function.

Submission:

Molecular Lab, University of Sulaimaniyah
Classification: Likely pathogenic for Focal segmental glomerulosclerosis. Last evaluated: 2026-03-12. Review status: criteria provided, single submitter. Criteria: ACMG Guidelines, 2015. Collection method: clinical testing. Allele origin: germline. Inheritance: Autosomal recessive inheritance. Affected: yes. Observed: 2 variant alleles, 2 homozygotes.
Comment: This variant was classified using the ACMG/AMP 2015 framework (PMID:25741868). PVS1 was applied because CEP290 c.2462delT is a predicted loss-of-function frameshift variant expected to create a premature termination codon in a recessive ciliopathy-associated gene for which loss of function is an established disease mechanism. As additional case-level support in our dataset, the variant was recurrently observed in 2 homozygous affected individuals from an adult biopsy-proven focal segmental glomerulosclerosis cohort (35 individuals tested), and the genotype pattern is consistent with a recessive disease mechanism. The submitted classification reflects this combination of variant type, gene-disease mechanism, and internal observation data. Overall, the weight of evidence supported a Likely pathogenic classification.